The following is an entry in ClinVar:

NM_001371928.1(AHDC1):c.1620C>T (p.Pro540=)

Gene: AHDC1 (AT-hook DNA binding motif containing 1; minus strand). Cytogenetic location: 1p36.11.
Variant type: single nucleotide variant.
Coding change: c.1620C>T on transcript NM_001371928.1 (MANE Select); coding-DNA position 1620, C replaced by T.
Protein change: p.Pro540=; no amino-acid change (proline 540 retained).
Molecular consequence: synonymous variant.
Genome position (GRCh38, 1-based): chr1:27,550,496, G>A on the plus strand (C>T on the coding strand, the complement: AHDC1 is on the minus strand). VCF-style: chr1-27550496-G-A. GRCh37 (hg19) VCF-style: chr1-27877007-G-A.
Other names: c.1620C>T, p.Pro540= (NM_001029882.3).
Identifiers: ClinVar variation 1266821 (VCV001266821.26), dbSNP rs375899533, ClinGen allele CA715914.

ClinVar aggregate classification (germline): Benign. Review status: criteria provided, multiple submitters, no conflicts (2 of 4 stars). 4 submissions from 4 submitters: Benign (3). 1 of the submissions does not count toward it. Last evaluated 2026-01-01.

Conditions:
AHDC1-related disorder. Also called: AHDC1-related condition.

Allele frequency attached by ClinVar (database versions not stated): ESP Exome Variant Server 0.00008; 1000 Genomes Project 30x 0.00016; 1000 Genomes Project 0.00020; gnomAD exomes 0.00024.
gnomAD v4.1: 366 of 1,607,306 alleles (0.023%); highest among the groups gnomAD compares: South Asian, 0.34%; 9 homozygotes.

Submissions (4):

Labcorp Genetics (formerly Invitae), Labcorp
Classification: Benign. Last evaluated: 2026-01-01. Review status: criteria provided, single submitter. Criteria: Invitae Variant Classification Sherloc (09022015). Collection method: clinical testing. Allele origin: germline.

CeGaT Center for Human Genetics Tuebingen
Classification: Benign. Last evaluated: 2024-07-01. Review status: criteria provided, single submitter. Criteria: CeGaT Center For Human Genetics Tuebingen Variant Classification Criteria Version 2. Collection method: clinical testing. Allele origin: germline. Affected: yes. Observed: 2 variant alleles.
Comment: AHDC1: BP4, BP7, BS1, BS2

GeneDx
Classification: Benign. Last evaluated: 2019-03-26. Review status: criteria provided, single submitter. Criteria: GeneDx Variant Classification Process June 2021. Collection method: clinical testing. Allele origin: germline. Affected: yes.

PreventionGenetics, part of Exact Sciences
Classification: Benign for AHDC1-related condition. Last evaluated: 2023-12-14. Review status: no assertion criteria provided. Collection method: clinical testing. Allele origin: germline. Not counted in ClinVar's aggregate classification.
Comment: This variant is classified as benign based on ACMG/AMP sequence variant interpretation guidelines (Richards et al. 2015 PMID: 25741868, with internal and published modifications).